The following is an entry in ClinVar:

NM_001393769.1(MED12L):c.5839G>C (p.Ala1947Pro)

Gene: MED12L (mediator complex subunit 12L; plus strand). Cytogenetic location: 3q25.1.
Variant type: single nucleotide variant.
Coding change: c.5839G>C on transcript NM_001393769.1 (MANE Select); coding-DNA position 5839, G replaced by C.
Protein change: p.Ala1947Pro; replaces alanine 1947 with proline.
Molecular consequence: missense variant.
Genome position (GRCh38, 1-based): chr3:151,409,261, G>C. VCF-style: chr3-151409261-G-C. GRCh37 (hg19) VCF-style: chr3-151127049-G-C.
Other names: c.5734G>C, p.Ala1912Pro (NM_053002.6); short protein forms A1912P, A1947P.
Identifiers: ClinVar variation 2491773 (VCV002491773.3), dbSNP rs1418983784, ClinGen allele CA354980394.
Genomic context (GRCh38, chr3:151,409,261, plus strand): 5'-TTGCTGTTATGATCAAGAGTTTGCTTTGGCTTTGTTTTCCAGGGCCAGCCGGGGGACCAG[G>C]CTGCTCTCTTTGCTGCGCAAGCACGGCCCTCCCCTCAGCTCCCTCAGTATCCAGGGCTGC-3'
Protein context (NP_001380698.1, residues 1937-1957): PFQQGQPGDQ[Ala1947Pro]ALFAAQARPS

ClinVar aggregate classification (germline): Uncertain significance (1 of 4 stars; one submission).

Conditions:
Inborn genetic diseases. Identifiers: MedGen C0950123, MeSH D030342.

Allele frequency attached by ClinVar (database versions not stated): gnomAD exomes below 0.00001.
gnomAD v4.1: 2 of 1,607,744 alleles (0.00012%); highest among the groups gnomAD compares: Non-Finnish European, 0.000085%; no homozygotes.

Submission:

Ambry Genetics
Classification: Uncertain significance for Inborn genetic diseases. Last evaluated: 2023-03-27. Review status: criteria provided, single submitter. Criteria: Ambry Variant Classification Scheme 2023. Collection method: clinical testing. Allele origin: germline.
Comment: The c.5734G>C (p.A1912P) alteration is located in exon 38 (coding exon 38) of the MED12L gene. This alteration results from a G to C substitution at nucleotide position 5734, causing the alanine (A) at amino acid position 1912 to be replaced by a proline (P). Based on data from gnomAD, the C allele has an overall frequency of <0.001% (1/243536) total alleles studied. This amino acid position is highly conserved in available vertebrate species. This alteration is predicted to be tolerated by in silico analysis. Based on insufficient or conflicting evidence, the clinical significance of this alteration remains unclear.